The following is an entry in ClinVar:

ClinVar aggregate classification (germline): Uncertain significance (1 of 4 stars; one submission).

Submission:

Ambry Genetics
Classification: Uncertain significance. Last evaluated: 2025-06-12. Review status: criteria provided, single submitter. Criteria: Ambry Variant Classification Scheme 2023. Collection method: clinical testing. Allele origin: germline.
Comment: The p.L1844V variant (also known as c.5530C>G), located in coding exon 22 of the WNK2 gene, results from a C to G substitution at nucleotide position 5530. The leucine at codon 1844 is replaced by valine, an amino acid with highly similar properties. This amino acid position is conserved. In addition, the in silico prediction for this alteration is inconclusive. Based on the available evidence, the clinical significance of this variant remains unclear.

NM_006648.4(WNK2):c.5530C>G (p.Leu1844Val)

Gene: WNK2 (WNK lysine deficient protein kinase 2; plus strand). Cytogenetic location: 9q22.31.
Variant type: single nucleotide variant.
Coding change: c.5530C>G on transcript NM_006648.4 (MANE Select); coding-DNA position 5530, C replaced by G.
Protein change: p.Leu1844Val; replaces leucine 1844 with valine.
Molecular consequence: missense variant.
Genome position (GRCh38, 1-based): chr9:93,292,995, C>G. VCF-style: chr9-93292995-C-G. GRCh37 (hg19) VCF-style: chr9-96055277-C-G.
Other names: c.5641C>G, p.Leu1881Val (NM_001282394.3); short protein forms L1844V, L1881V.
Identifiers: ClinVar variation 3982206 (VCV003982206.1).
Genomic context (GRCh38, chr9:93,292,995, plus strand): 5'-GCGTCCCTGCCCGTGAGTGGCAGCGTGGCTGGCGACTTCGTGAAGAAGGCCACCGCCTTC[C>G]TGCAGAGGCCTTCTCGGGCCGGCTCGCTGGGCCCCGAGACACCCAGCAGGGTGGGCATGA-3'
Protein context (NP_006639.3, residues 1834-1854): GDFVKKATAF[Leu1844Val]QRPSRAGSLG